The following is an entry in ClinVar:

ClinVar aggregate classification (germline): Uncertain significance (1 of 4 stars; one submission).

Conditions:
Ataxia-telangiectasia syndrome (AT). Also called: Ataxia-telangiectasia, complementation group D; AT, COMPLEMENTATION GROUP C; ATAXIA-TELANGIECTASIA, COMPLEMENTATION GROUP A; ATAXIA-TELANGIECTASIA, FRESNO VARIANT; Ataxia-telangiectasia; Ataxia-telangiectasia, complementation group E. Identifiers: Orphanet 100, MedGen C0004135, MONDO:0008840, OMIM 208900.

Submission:

Labcorp Genetics (formerly Invitae), Labcorp
Classification: Uncertain significance for Ataxia-telangiectasia syndrome. Last evaluated: 2024-05-13. Review status: criteria provided, single submitter. Criteria: Invitae Variant Classification Sherloc (09022015). Collection method: clinical testing. Allele origin: germline.
Comment: This sequence change falls in intron 58 of the ATM gene. It does not directly change the encoded amino acid sequence of the ATM protein. This variant is not present in population databases (gnomAD no frequency). This variant has not been reported in the literature in individuals affected with ATM-related conditions. Experimental studies and prediction algorithms are not available or were not evaluated, and the effect of this variant on mRNA splicing is currently unknown. In summary, the available evidence is currently insufficient to determine the role of this variant in disease. Therefore, it has been classified as a Variant of Uncertain Significance.

NM_000051.4(ATM):c.8584+272_8584+273insATTATTCACTATATAATATAGTCAATATATTATTTTCTGAGACTTTCTTTGGAAAATAATGAAACCTGTGATAACTTATTTCCTTTAATTATTTTTGTTCTTTTGCATATAACCTCTAAATATCATCACCTAGTGATTAATACTTTTTAATAGAATTTTGTTTTCAGAATAGAAACCATGAGATATATTTAAATATTTTGTGTACAATATATATTTTGACTTTTTTTCCCTAAGAAATTAGAATAGGTAGATAGTATGGTTAACAAAATCCTAGAGTATGAGAACTCTAGGTTTGAGAAGCGATTGGCTTATACGCGCAGTGTAGCTACTTCTTCTATTGGTAATCTTCTTGTACATATAGTAGATTGAGCACTTTGTTGTTTGGCAGGTTTTATTTTTGTTTGATTCAGCACTTTTTCTACATTCTGAGTTGCAGGGGGATGATAGTGATGATGTGGTTAGTAACCAACCCATCTTCATTATTAAATCATATGTTTCTTGTTCATCCTGATTCTTAGTGTCTACCTTTTTATAACTTATGCAGAAGAGAATTCTCCTACTTCAATAAATAATAAAAAGACAGGGTTTTCTTCTTTGTTTTATAGTGAATAT

Genes: ATM (ATM serine/threonine kinase; plus strand), C11orf65 (chromosome 11 open reading frame 65; minus strand). Cytogenetic location: 11q22.3.
Variant type: Insertion.
Coding change: c.8584+272_8584+273insATTATTCACTATATAATATAGTCAATATATTATTTTCTGAGACTTTCTTTGGAAAATAATGAAACCTGTGATAACTTATTTCCTTTAATTATTTTTGTTCTTTTGCATATAACCTCTAAATATCATCACCTAGTGATTAATACTTTTTAATAGAATTTTGTTTTCAGAATAGAAACCATGAGATATATTTAAATATTTTGTGTACAATATATATTTTGACTTTTTTTCCCTAAGAAATTAGAATAGGTAGATAGTATGGTTAACAAAATCCTAGAGTATGAGAACTCTAGGTTTGAGAAGCGATTGGCTTATACGCGCAGTGTAGCTACTTCTTCTATTGGTAATCTTCTTGTACATATAGTAGATTGAGCACTTTGTTGTTTGGCAGGTTTTATTTTTGTTTGATTCAGCACTTTTTCTACATTCTGAGTTGCAGGGGGATGATAGTGATGATGTGGTTAGTAACCAACCCATCTTCATTATTAAATCATATGTTTCTTGTTCATCCTGATTCTTAGTGTCTACCTTTTTATAACTTATGCAGAAGAGAATTCTCCTACTTCAATAAATAATAAAAAGACAGGGTTTTCTTCTTTGTTTTATAGTGAATAT on transcript NM_000051.4 (MANE Select); bases 272 to 273 of the intron after coding-DNA position 8584, ATTATTCACTATATAATATAGTCAATATATTATTTTCTGAGACTTTCTTTGGAAAATAATGAAACCTGTGATAACTTATTTCCTTTAATTATTTTTGTTCTTTTGCATATAACCTCTAAATATCATCACCTAGTGATTAATACTTTTTAATAGAATTTTGTTTTCAGAATAGAAACCATGAGATATATTTAAATATTTTGTGTACAATATATATTTTGACTTTTTTTCCCTAAGAAATTAGAATAGGTAGATAGTATGGTTAACAAAATCCTAGAGTATGAGAACTCTAGGTTTGAGAAGCGATTGGCTTATACGCGCAGTGTAGCTACTTCTTCTATTGGTAATCTTCTTGTACATATAGTAGATTGAGCACTTTGTTGTTTGGCAGGTTTTATTTTTGTTTGATTCAGCACTTTTTCTACATTCTGAGTTGCAGGGGGATGATAGTGATGATGTGGTTAGTAACCAACCCATCTTCATTATTAAATCATATGTTTCTTGTTCATCCTGATTCTTAGTGTCTACCTTTTTATAACTTATGCAGAAGAGAATTCTCCTACTTCAATAAATAATAAAAAGACAGGGTTTTCTTCTTTGTTTTATAGTGAATAT inserted.
Molecular consequence: splice donor variant. On other transcripts: intron variant (2).
Genome position: GRCh38: chr11:108,346,180-108,346,181. GRCh37 (hg19): chr11:108,216,907-108,216,908.
Other names: c.641-36787_641-36786insATATTCACTATAAAACAAAGAAGAAAACCCTGTCTTTTTATTATTTATTGAAGTAGGAGAATTCTCTTCTGCATAAGTTATAAAAAGGTAGACACTAAGAATCAGGATGAACAAGAAACATATGATTTAATAATGAAGATGGGTTGGTTACTAACCACATCATCACTATCATCCCCCTGCAACTCAGAATGTAGAAAAAGTGCTGAATCAAACAAAAATAAAACCTGCCAAACAACAAAGTGCTCAATCTACTATATGTACAAGAAGATTACCAATAGAAGAAGTAGCTACACTGCGCGTATAAGCCAATCGCTTCTCAAACCTAGAGTTCTCATACTCTAGGATTTTGTTAACCATACTATCTACCTATTCTAATTTCTTAGGGAAAAAAAGTCAAAATATATATTGTACACAAAATATTTAAATATATCTCATGGTTTCTATTCTGAAAACAAAATTCTATTAAAAAGTATTAATCACTAGGTGATGATATTTAGAGGTTATATGCAAAAGAACAAAAATAATTAAAGGAAATAAGTTATCACAGGTTTCATTATTTTCCAAAGAAAGTCTCAGAAAATAATATATTGACTATATTATATAGTGAATAAT (NM_001330368.2); c.695-10566_695-10565insATATTCACTATAAAACAAAGAAGAAAACCCTGTCTTTTTATTATTTATTGAAGTAGGAGAATTCTCTTCTGCATAAGTTATAAAAAGGTAGACACTAAGAATCAGGATGAACAAGAAACATATGATTTAATAATGAAGATGGGTTGGTTACTAACCACATCATCACTATCATCCCCCTGCAACTCAGAATGTAGAAAAAGTGCTGAATCAAACAAAAATAAAACCTGCCAAACAACAAAGTGCTCAATCTACTATATGTACAAGAAGATTACCAATAGAAGAAGTAGCTACACTGCGCGTATAAGCCAATCGCTTCTCAAACCTAGAGTTCTCATACTCTAGGATTTTGTTAACCATACTATCTACCTATTCTAATTTCTTAGGGAAAAAAAGTCAAAATATATATTGTACACAAAATATTTAAATATATCTCATGGTTTCTATTCTGAAAACAAAATTCTATTAAAAAGTATTAATCACTAGGTGATGATATTTAGAGGTTATATGCAAAAGAACAAAAATAATTAAAGGAAATAAGTTATCACAGGTTTCATTATTTTCCAAAGAAAGTCTCAGAAAATAATATATTGACTATATTATATAGTGAATAAT (NM_001351110.2); c.8584+272_8584+273insATTATTCACTATATAATATAGTCAATATATTATTTTCTGAGACTTTCTTTGGAAAATAATGAAACCTGTGATAACTTATTTCCTTTAATTATTTTTGTTCTTTTGCATATAACCTCTAAATATCATCACCTAGTGATTAATACTTTTTAATAGAATTTTGTTTTCAGAATAGAAACCATGAGATATATTTAAATATTTTGTGTACAATATATATTTTGACTTTTTTTCCCTAAGAAATTAGAATAGGTAGATAGTATGGTTAACAAAATCCTAGAGTATGAGAACTCTAGGTTTGAGAAGCGATTGGCTTATACGCGCAGTGTAGCTACTTCTTCTATTGGTAATCTTCTTGTACATATAGTAGATTGAGCACTTTGTTGTTTGGCAGGTTTTATTTTTGTTTGATTCAGCACTTTTTCTACATTCTGAGTTGCAGGGGGATGATAGTGATGATGTGGTTAGTAACCAACCCATCTTCATTATTAAATCATATGTTTCTTGTTCATCCTGATTCTTAGTGTCTACCTTTTTATAACTTATGCAGAAGAGAATTCTCCTACTTCAATAAATAATAAAAAGACAGGGTTTTCTTCTTTGTTTTATAGTGAATAT (NM_001351834.2).
Identifiers: ClinVar variation 3653208 (VCV003653208.2).